The following is an entry in ClinVar:

NM_000093.5(COL5A1):c.4955-297G>T

Genes: COL5A1 (collagen type V alpha 1 chain; plus strand), LOC101448202 (uncharacterized LOC101448202; minus strand). Cytogenetic location: 9q34.3.
Variant type: single nucleotide variant.
Coding change: c.4955-297G>T on transcript NM_000093.5 (MANE Select); 297 bases into the intron before coding-DNA position 4955, G replaced by T.
Molecular consequence: intron variant.
Genome position (GRCh38, 1-based): chr9:134,825,495, G>T. VCF-style: chr9-134825495-G-T. GRCh37 (hg19) VCF-style: chr9-137717341-G-T.
Other names: c.4955-297G>T (NM_001278074.1).
Identifiers: ClinVar variation 672899 (VCV000672899.1), dbSNP rs111857754, ClinGen allele CA201101257.

ClinVar aggregate classification (germline): Benign (1 of 4 stars; one submission).

Allele frequency attached by ClinVar (database versions not stated): 1000 Genomes Project 0.01538; gnomAD 0.01592 and 0.01698; TOPMed 0.01745; 1000 Genomes Project 30x 0.01765.
gnomAD v4.1: 2,397 of 152,210 alleles (1.6%); highest among the groups gnomAD compares: African/African-American, 5.4%; 58 homozygotes.

Submission:

GeneDx
Classification: Benign. Last evaluated: 2018-06-14. Review status: criteria provided, single submitter. Criteria: GeneDx Variant Classification (06012015). Collection method: clinical testing. Allele origin: germline. Affected: yes.
Comment: This variant is considered likely benign or benign based on one or more of the following criteria: it is a conservative change, it occurs at a poorly conserved position in the protein, it is predicted to be benign by multiple in silico algorithms, and/or has population frequency not consistent with disease.